The following is an entry in ClinVar:

ClinVar aggregate classification (germline): Uncertain significance. Review status: criteria provided, multiple submitters, no conflicts (2 of 4 stars). 2 submissions from 2 submitters: Uncertain significance (2). Last evaluated 2025-10-09.

Allele frequency attached by ClinVar (database versions not stated): gnomAD 0.00002; 1000 Genomes Project 30x 0.00016; 1000 Genomes Project 0.00020.
gnomAD v4.1: 4 of 1,614,222 alleles (0.00025%); highest among the groups gnomAD compares: African/African-American, 0.0053%; no homozygotes.

Submissions (2):

Labcorp Genetics (formerly Invitae), Labcorp
Classification: Uncertain significance. Last evaluated: 2025-10-09. Review status: criteria provided, single submitter. Criteria: Invitae Variant Classification Sherloc (09022015). Collection method: clinical testing. Allele origin: germline.
Comment: This sequence change replaces arginine, which is basic and polar, with leucine, which is neutral and non-polar, at codon 351 of the RNF31 protein (p.Arg351Leu). This variant is present in population databases (rs549177842, gnomAD 0.008%). This variant has not been reported in the literature in individuals affected with RNF31-related conditions. ClinVar contains an entry for this variant (Variation ID: 2126084). An algorithm developed to predict the effect of missense changes on protein structure and function (PolyPhen-2) suggests that this variant is likely to be disruptive. In summary, the available evidence is currently insufficient to determine the role of this variant in disease. Therefore, it has been classified as a Variant of Uncertain Significance.

Ambry Genetics
Classification: Uncertain significance. Last evaluated: 2025-01-27. Review status: criteria provided, single submitter. Criteria: Ambry Variant Classification Scheme 2023. Collection method: clinical testing. Allele origin: germline.

NM_017999.5(RNF31):c.1052G>T (p.Arg351Leu)

Gene: RNF31 (ring finger protein 31; plus strand). Cytogenetic location: 14q12.
Variant type: single nucleotide variant.
Coding change: c.1052G>T on transcript NM_017999.5 (MANE Select); coding-DNA position 1052, G replaced by T.
Protein change: p.Arg351Leu; replaces arginine 351 with leucine.
Molecular consequence: missense variant.
Genome position (GRCh38, 1-based): chr14:24,150,303, G>T. VCF-style: chr14-24150303-G-T. GRCh37 (hg19) VCF-style: chr14-24619512-G-T.
Other names: c.599G>T, p.Arg200Leu (NM_001310332.2); c.1052G>T (NM_017999.4); short protein forms R200L, R351L.
Identifiers: ClinVar variation 2126084 (VCV002126084.5), dbSNP rs549177842, ClinGen allele CA7125687.